The following is an entry in ClinVar:

ClinVar aggregate classification (germline): Likely benign (1 of 4 stars; one submission).

Submission:

CeGaT Center for Human Genetics Tuebingen
Classification: Likely benign. Last evaluated: 2025-02-01. Review status: criteria provided, single submitter. Criteria: CeGaT Center For Human Genetics Tuebingen Variant Classification Criteria Version 2. Collection method: clinical testing. Allele origin: germline. Affected: yes. Observed: 2 variant alleles.
Comment: HYDIN: BP4, BP7

NM_001270974.2(HYDIN):c.4143G>A (p.Ala1381=)

Genes: HYDIN (HYDIN axonemal central pair apparatus protein; minus strand), LOC121587554 (CDK7 strongly-dependent group 2 enhancer GRCh37_chr16:71020999-71022198; plus strand). Cytogenetic location: 16q22.2.
Variant type: single nucleotide variant.
Coding change: c.4143G>A on transcript NM_001270974.2 (MANE Select); coding-DNA position 4143, G replaced by A.
Protein change: p.Ala1381=; no amino-acid change (alanine 1381 retained).
Molecular consequence: synonymous variant.
Genome position (GRCh38, 1-based): chr16:70,987,975, C>T on the plus strand (G>A on the coding strand, the complement: HYDIN is on the minus strand). VCF-style: chr16-70987975-C-T. GRCh37 (hg19) VCF-style: chr16-71021878-C-T.
Identifiers: ClinVar variation 2646776 (VCV002646776.24), dbSNP rs2079239352, ClinGen allele CA496252207.